The following is an entry in ClinVar:

NM_019066.5(MAGEL2):c.313C>A (p.Pro105Thr)

Gene: MAGEL2 (MAGE family member L2; minus strand). Cytogenetic location: 15q11.2.
Variant type: single nucleotide variant.
Coding change: c.313C>A on transcript NM_019066.5 (MANE Select); coding-DNA position 313, C replaced by A.
Protein change: p.Pro105Thr; replaces proline 105 with threonine.
Molecular consequence: missense variant.
Genome position (GRCh38, 1-based): chr15:23,647,430, G>T on the plus strand (C>A on the coding strand, the complement: MAGEL2 is on the minus strand). VCF-style: chr15-23647430-G-T. GRCh37 (hg19) VCF-style: chr15-23892577-G-T.
Other names: short protein forms P105T.
Identifiers: ClinVar variation 3359311 (VCV003359311.1).

ClinVar aggregate classification (germline): Uncertain significance (1 of 4 stars; one submission).

Submission:

GeneDx
Classification: Uncertain significance. Last evaluated: 2023-06-01. Review status: criteria provided, single submitter. Criteria: GeneDx Variant Classification Process June 2021. Collection method: clinical testing. Allele origin: germline. Affected: yes.
Comment: Not observed at significant frequency in large population cohorts (gnomAD); In silico analysis supports that this missense variant does not alter protein structure/function; Has not been previously published as pathogenic or benign to our knowledge